The following is an entry in ClinVar:

NM_004260.4(RECQL4):c.1143G>A (p.Gln381=)

Gene: RECQL4 (RecQ like helicase 4; minus strand). Cytogenetic location: 8q24.3.
Variant type: single nucleotide variant.
Coding change: c.1143G>A on transcript NM_004260.4 (MANE Select); coding-DNA position 1143, G replaced by A.
Protein change: p.Gln381=; no amino-acid change (glutamine 381 retained).
Molecular consequence: synonymous variant. On other transcripts: missense variant (5), non-coding transcript variant (3), intron variant (1).
Genome position (GRCh38, 1-based): chr8:144,515,879, C>T on the plus strand (G>A on the coding strand, the complement: RECQL4 is on the minus strand). VCF-style: chr8-144515879-C-T. GRCh37 (hg19) VCF-style: chr8-145741263-C-T.
Other names: c.1047G>A, p.Gln349= (NM_001413017.1, NM_001413020.1); c.1143G>A, p.Gln381= (NM_001413018.1, NM_001413019.1, NM_001413033.1 and 2 more transcripts); c.72G>A, p.Gln24= (NM_001413021.1, NM_001413022.1, NM_001413023.1 and 8 more transcripts); c.1014G>A, p.Gln338= (NM_001413025.1); c.10G>A, p.Glu4Lys (NM_001413027.1, NM_001413030.1, NM_001413031.1 and 2 more transcripts); c.792G>A, p.Gln264= (NM_001413029.1); c.-210+109G>A (NM_001413043.1); short protein forms E4K.
Identifiers: ClinVar variation 4714723 (VCV004714723.1).

ClinVar aggregate classification (germline): Uncertain significance (1 of 4 stars; one submission).

Conditions:
Baller-Gerold syndrome (BGS). Also called: CRANIOSYNOSTOSIS WITH RADIAL DEFECTS. Identifiers: Orphanet 1225, MedGen C0265308, MONDO:0009039, OMIM 218600.

gnomAD v4.1: 1 of 1,612,980 alleles (0.000062%); highest among the groups gnomAD compares: South Asian, 0.0011%; no homozygotes.

Submission:

Labcorp Genetics (formerly Invitae), Labcorp
Classification: Uncertain significance for Baller-Gerold syndrome. Last evaluated: 2025-03-09. Review status: criteria provided, single submitter. Criteria: Invitae Variant Classification Sherloc (09022015). Collection method: clinical testing. Allele origin: germline.
Comment: This sequence change affects codon 381 of the RECQL4 mRNA. It is a 'silent' change, meaning that it does not change the encoded amino acid sequence of the RECQL4 protein. This variant is present in population databases (rs764045434, gnomAD 0.003%). This variant has not been reported in the literature in individuals affected with RECQL4-related conditions. Algorithms developed to predict the effect of sequence changes on RNA splicing suggest that this variant may disrupt the consensus splice site. In summary, the available evidence is currently insufficient to determine the role of this variant in disease. Therefore, it has been classified as a Variant of Uncertain Significance.